The following is an entry in ClinVar:

ClinVar aggregate classification (germline): Uncertain significance (1 of 4 stars; one submission).

gnomAD v4.1: 1 of 1,608,182 alleles (0.000062%); highest among the groups gnomAD compares: Non-Finnish European, 0.000085%; no homozygotes.

Submission:

GeneDx
Classification: Uncertain significance. Last evaluated: 2023-11-01. Review status: criteria provided, single submitter. Criteria: GeneDx Variant Classification Process June 2021. Collection method: clinical testing. Allele origin: germline. Affected: yes.
Comment: Not observed at significant frequency in large population cohorts (gnomAD); In silico analysis supports that this missense variant has a deleterious effect on protein structure/function; Has not been previously published as pathogenic or benign to our knowledge

NM_001371623.1(TCOF1):c.4312A>G (p.Lys1438Glu)

Gene: TCOF1 (treacle ribosome biogenesis factor 1; plus strand). Cytogenetic location: 5q32.
Variant type: single nucleotide variant.
Coding change: c.4312A>G on transcript NM_001371623.1 (MANE Select); coding-DNA position 4312, A replaced by G.
Protein change: p.Lys1438Glu; replaces lysine 1438 with glutamic acid.
Molecular consequence: missense variant.
Genome position (GRCh38, 1-based): chr5:150,396,809, A>G. VCF-style: chr5-150396809-A-G. GRCh37 (hg19) VCF-style: chr5-149776372-A-G.
Other names: c.4078A>G, p.Lys1360Glu (NM_000356.4); c.4309A>G, p.Lys1437Glu (NM_001135243.2); c.4198A>G, p.Lys1400Glu (NM_001135244.2); c.4081A>G, p.Lys1361Glu (NM_001135245.2); c.4195A>G, p.Lys1399Glu (NM_001195141.2); short protein forms K1360E, K1361E, K1399E, K1400E, K1437E, K1438E.
Identifiers: ClinVar variation 3363495 (VCV003363495.1).
Genomic context (GRCh38, chr5:150,396,809, plus strand): 5'-CCAGAAGAGGAGCTTCAGAAGGGGATGGGGACGGTTGAAGGTGGAGATCAAAGCAACCCA[A>G]AGAGCAAGAAGGAGAAGAAGAAATCCGACAAGAGTGAGTGACCGCTTCTCCCAGCCCACC-3'
Protein context (NP_001358552.1, residues 1428-1448): TVEGGDQSNP[Lys1438Glu]SKKEKKKSDK